The following is an entry in ClinVar:

NM_002968.3(SALL1):c.1910C>T (p.Ala637Val)

Gene: SALL1 (spalt like transcription factor 1; minus strand). Cytogenetic location: 16q12.1.
Variant type: single nucleotide variant.
Coding change: c.1910C>T on transcript NM_002968.3 (MANE Select); coding-DNA position 1910, C replaced by T.
Protein change: p.Ala637Val; replaces alanine 637 with valine.
Molecular consequence: missense variant.
Genome position (GRCh38, 1-based): chr16:51,140,312, G>A on the plus strand (C>T on the coding strand, the complement: SALL1 is on the minus strand). VCF-style: chr16-51140312-G-A. GRCh37 (hg19) VCF-style: chr16-51174223-G-A.
Other names: c.1619C>T, p.Ala540Val (NM_001127892.2); short protein forms A637V, A540V.
Identifiers: ClinVar variation 3316020 (VCV003316020.2).

ClinVar aggregate classification (germline): Uncertain significance. Review status: criteria provided, multiple submitters, no conflicts (2 of 4 stars). 2 submissions from 2 submitters: Uncertain significance (2). Last evaluated 2025-06-25.

Conditions:
Inborn genetic diseases. Identifiers: MedGen C0950123, MeSH D030342.
Townes syndrome (TBS). Also called: Townes-Brocks syndrome. Identifiers: Orphanet 857, MedGen C0265246, MeSH C536974, MONDO:0007142.

gnomAD v4.1: 38 of 1,613,964 alleles (0.0024%); highest among the groups gnomAD compares: Middle Eastern, 0.13%; no homozygotes.

Submissions (2):

Labcorp Genetics (formerly Invitae), Labcorp
Classification: Uncertain significance for Townes syndrome. Last evaluated: 2025-06-25. Review status: criteria provided, single submitter. Criteria: Invitae Variant Classification Sherloc (09022015). Collection method: clinical testing. Allele origin: germline.
Comment: This sequence change replaces alanine, which is neutral and non-polar, with valine, which is neutral and non-polar, at codon 637 of the SALL1 protein (p.Ala637Val). This variant is present in population databases (rs746824603, gnomAD 0.01%). This variant has not been reported in the literature in individuals affected with SALL1-related conditions. ClinVar contains an entry for this variant (Variation ID: 3316020). Invitae Evidence Modeling of protein sequence and biophysical properties (such as structural, functional, and spatial information, amino acid conservation, physicochemical variation, residue mobility, and thermodynamic stability) indicates that this missense variant is not expected to disrupt SALL1 protein function with a negative predictive value of 80%. In summary, the available evidence is currently insufficient to determine the role of this variant in disease. Therefore, it has been classified as a Variant of Uncertain Significance.

Ambry Genetics
Classification: Uncertain significance for Inborn genetic diseases. Last evaluated: 2024-06-04. Review status: criteria provided, single submitter. Criteria: Ambry Variant Classification Scheme 2023. Collection method: clinical testing. Allele origin: germline.